The following is an entry in ClinVar:

ClinVar aggregate classification (germline): Pathogenic (1 of 4 stars; one submission).

Conditions:
Congenital sideroblastic anemia-B-cell immunodeficiency-periodic fever-developmental delay syndrome. Also called: Sideroblastic anemia with B-cell immunodeficiency, periodic fevers, and developmental delay. Identifiers: Orphanet 369861, MedGen C4015172, MONDO:0014487, OMIM 616084.

Allele frequency attached by ClinVar (database versions not stated): gnomAD exomes below 0.00001.

Submission:

Labcorp Genetics (formerly Invitae), Labcorp
Classification: Pathogenic for Congenital sideroblastic anemia-B-cell immunodeficiency-periodic fever-developmental delay syndrome. Last evaluated: 2022-04-10. Review status: criteria provided, single submitter. Criteria: Invitae Variant Classification Sherloc (09022015). Collection method: clinical testing. Allele origin: germline.
Comment: This sequence change creates a premature translational stop signal (p.Gln145*) in the TRNT1 gene. It is expected to result in an absent or disrupted protein product. Loss-of-function variants in TRNT1 are known to be pathogenic (PMID: 25193871). This variant is not present in population databases (gnomAD no frequency). This variant has not been reported in the literature in individuals affected with TRNT1-related conditions. Algorithms developed to predict the effect of sequence changes on RNA splicing suggest that this variant may disrupt the consensus splice site. For these reasons, this variant has been classified as Pathogenic.

Literature cited by the submitters: PubMed 25193871.

NM_182916.3(TRNT1):c.433C>T (p.Gln145Ter)

Gene: TRNT1 (tRNA nucleotidyl transferase 1; plus strand). Cytogenetic location: 3p26.2.
Variant type: single nucleotide variant.
Coding change: c.433C>T on transcript NM_182916.3 (MANE Select); coding-DNA position 433, C replaced by T.
Protein change: p.Gln145Ter; replaces glutamine 145 with a stop codon.
Molecular consequence: nonsense. On other transcripts: non-coding transcript variant (6).
Genome position (GRCh38, 1-based): chr3:3,140,600, C>T. VCF-style: chr3-3140600-C-T. GRCh37 (hg19) VCF-style: chr3-3182284-C-T.
Other names: c.433C>T, p.Gln145Ter (NM_001302946.2, NM_001367321.1, NM_001367322.1 and 1 more transcripts); short protein forms Q145*.
Identifiers: ClinVar variation 1896137 (VCV001896137.5), dbSNP rs941664466, ClinGen allele CA68727847.